The following is an entry in ClinVar:

NM_002439.5(MSH3):c.969T>G (p.Ser323Arg)

Genes: MSH3 (mutS homolog 3; plus strand), LOC126807437 (MED14-independent group 3 enhancer GRCh37_chr5:79968379-79969578; plus strand). Cytogenetic location: 5q14.1.
Variant type: single nucleotide variant.
Coding change: c.969T>G on transcript NM_002439.5 (MANE Select); coding-DNA position 969, T replaced by G.
Protein change: p.Ser323Arg; replaces serine 323 with arginine.
Molecular consequence: missense variant.
Genome position (GRCh38, 1-based): chr5:80,672,800, T>G. VCF-style: chr5-80672800-T-G. GRCh37 (hg19) VCF-style: chr5-79968619-T-G.
Other names: short protein forms S323R.
Identifiers: ClinVar variation 3222315 (VCV003222315.1), dbSNP rs1469762425, ClinGen allele CA360267445.

ClinVar aggregate classification (germline): Uncertain significance (1 of 4 stars; one submission).

Conditions:
Hereditary cancer-predisposing syndrome. Also called: Tumor predisposition; Hereditary neoplastic syndrome; Hereditary Cancer Syndrome; Neoplastic Syndromes, Hereditary. Identifiers: Orphanet 140162, MedGen C0027672, MeSH D009386, MONDO:0015356.

Allele frequency attached by ClinVar (database versions not stated): gnomAD exomes below 0.00001.
gnomAD v4.1: 2 of 1,614,140 alleles (0.00012%); highest among the groups gnomAD compares: South Asian, 0.0022%; no homozygotes.

Submission:

Ambry Genetics
Classification: Uncertain significance for Hereditary cancer-predisposing syndrome. Last evaluated: 2023-10-21. Review status: criteria provided, single submitter. Criteria: Ambry Variant Classification Scheme 2023. Collection method: clinical testing. Allele origin: germline.
Comment: The p.S323R variant (also known as c.969T>G), located in coding exon 6 of the MSH3 gene, results from a T to G substitution at nucleotide position 969. The serine at codon 323 is replaced by arginine, an amino acid with dissimilar properties. This amino acid position is conserved. In addition, the in silico prediction for this alteration is inconclusive. Since supporting evidence is limited at this time, the clinical significance of this alteration remains unclear.